The following is an entry in ClinVar:

NM_000298.6(PKLR):c.1277G>A (p.Arg426Gln)

Gene: PKLR (pyruvate kinase L/R; minus strand). Cytogenetic location: 1q22.
Variant type: single nucleotide variant.
Coding change: c.1277G>A on transcript NM_000298.6 (MANE Select); coding-DNA position 1277, G replaced by A.
Protein change: p.Arg426Gln; replaces arginine 426 with glutamine.
Molecular consequence: missense variant.
Genome position (GRCh38, 1-based): chr1:155,293,336, C>T on the plus strand (G>A on the coding strand, the complement: PKLR is on the minus strand). VCF-style: chr1-155293336-C-T. GRCh37 (hg19) VCF-style: chr1-155263127-C-T.
Other names: c.1184G>A, p.Arg395Gln (NM_181871.4); c.1277G>A (NM_000298.5); short protein forms R395Q, R426Q.
Identifiers: ClinVar variation 1675379 (VCV001675379.38), dbSNP rs768002493, ClinGen allele CA1144043.

ClinVar aggregate classification (germline): Conflicting classifications of pathogenicity. Review status: criteria provided, conflicting classifications (1 of 4 stars). 4 submissions from 4 submitters: Likely pathogenic (2); Uncertain significance (1). 1 of the submissions does not count toward it. Last evaluated 2023-01-09.

Conditions:
PKLR-related disorder. Also called: PKLR-related condition.
Pyruvate kinase deficiency of red cells (CNSHA2). Also called: PK DEFICIENCY; PYRUVATE KINASE DEFICIENCY OF ERYTHROCYTE; Pyruvate kinase deficiency, Amish type. Identifiers: Orphanet 766, MedGen C0340968, MONDO:0009950, OMIM 266200.

Allele frequency attached by ClinVar (database versions not stated): ExAC 0.00001; gnomAD exomes 0.00001; TOPMed 0.00001.
gnomAD v4.1: 16 of 1,614,240 alleles (0.00099%); highest among the groups gnomAD compares: South Asian, 0.0033%; no homozygotes.

Submissions (4):

Revvity Omics, Revvity
Classification: Uncertain significance. Last evaluated: 2023-01-09. Review status: criteria provided, single submitter. Criteria: ACMG Guidelines, 2015. Collection method: clinical testing. Allele origin: germline.

CeGaT Center for Human Genetics Tuebingen
Classification: Likely pathogenic. Last evaluated: 2022-01-01. Review status: criteria provided, single submitter. Criteria: CeGaT Center For Human Genetics Tuebingen Variant Classification Criteria Version 2. Collection method: clinical testing. Allele origin: germline. Affected: yes. Observed: 1 variant allele.

Department of Traditional Chinese Medicine, Fujian Provincial Hospital
Classification: Likely pathogenic for Pyruvate kinase deficiency of red cells. Review status: criteria provided, single submitter. Criteria: ACMG Guidelines, 2015. Collection method: clinical testing. Allele origin: biparental. Observed: 1 variant allele, 1 homozygote.
Comment: The mutation causes a single amino acid substitution from Arg to Gln at the 426th amino acid residue of human R-type PK; consequently, the hydrophobicity around the mutated site is drastically decreased. The amino acid change occurred in the eighth alpha helix of A domain (A alpha 8) of PK, and it has been proposed that this region as well as A alpha 7, A beta 7, and A beta 8 is a potassium (K+) binding site. Because K+ binding to the PK subunit is considered to be essential for substrate binding, the mutation might account for the decreased affinity for phosphoenolpyruvate (PEP).（PMID：8481523） In our study, we found the same mutation, so we think it's likely pathogenic.

PreventionGenetics, part of Exact Sciences
Classification: Uncertain significance for PKLR-related condition. Last evaluated: 2024-05-23. Review status: no assertion criteria provided. Collection method: clinical testing. Allele origin: germline. Not counted in ClinVar's aggregate classification.
Comment: The PKLR c.1277G>A variant is predicted to result in the amino acid substitution p.Arg426Gln. This variant was reported in a homozygous individual with hereditary hemolytic anemia (Kanno et al 1993. PubMed ID: 8481523). However additional functional and family studies were not conducted to confirm pathogenicity. This variant is reported in 0.0033% of alleles in individuals of South Asian descent in gnomAD. Although we suspect that this variant may be pathogenic, at this time, the clinical significance of this variant is uncertain due to the absence of conclusive functional and genetic evidence.

Literature cited by the submitters: PubMed 8481523 (cited by Department of Traditional Chinese Medicine, Fujian Provincial Hospital); DOI 10.1182/blood.v98.10.3113 (cited by Department of Traditional Chinese Medicine, Fujian Provincial Hospital).